The following is an entry in ClinVar:

NM_178140.4(PDZD2):c.7554C>G (p.Pro2518=)

Gene: PDZD2 (PDZ domain containing 2; plus strand). Cytogenetic location: 5p13.3.
Variant type: single nucleotide variant.
Coding change: c.7554C>G on transcript NM_178140.4 (MANE Select); coding-DNA position 7554, C replaced by G.
Protein change: p.Pro2518=; no amino-acid change (proline 2518 retained).
Molecular consequence: synonymous variant.
Genome position (GRCh38, 1-based): chr5:32,091,002, C>G. VCF-style: chr5-32091002-C-G. GRCh37 (hg19) VCF-style: chr5-32091108-C-G.
Identifiers: ClinVar variation 3038654 (VCV003038654.2), dbSNP rs745749904, ClinGen allele CA3220339.

ClinVar aggregate classification (germline): Likely benign (0 of 4 stars; one submission).

Conditions:
PDZD2-related disorder. Also called: PDZD2-related condition.

Allele frequency attached by ClinVar (database versions not stated): gnomAD exomes below 0.00001; ExAC 0.00001; TOPMed 0.00001.
gnomAD v4.1: 4 of 1,613,906 alleles (0.00025%); highest among the groups gnomAD compares: East Asian, 0.0022%; no homozygotes.

Submission:

PreventionGenetics, part of Exact Sciences
Classification: Likely benign for PDZD2-related condition. Last evaluated: 2019-05-23. Review status: no assertion criteria provided. Collection method: clinical testing. Allele origin: germline.
Comment: This variant is classified as likely benign based on ACMG/AMP sequence variant interpretation guidelines (Richards et al. 2015 PMID: 25741868, with internal and published modifications).